The following is an entry in ClinVar:

ClinVar aggregate classification (germline): Uncertain significance (1 of 4 stars; one submission).

Conditions:
Neurofibromatosis, type 1 (NF1). Also called: NEUROFIBROMATOSIS, TYPE I, SOMATIC; VON RECKLINGHAUSEN DISEASE; Neurofibromatosis, type I; Peripheral type neurofibromatosis. Identifiers: Orphanet 636, MedGen C0027831, MONDO:0018975, OMIM 162200. Disease mechanism: loss of function.

Allele frequency attached by ClinVar (database versions not stated): TOPMed below 0.00001.

Submission:

Labcorp Genetics (formerly Invitae), Labcorp
Classification: Uncertain significance for Neurofibromatosis, type 1. Last evaluated: 2018-11-10. Review status: criteria provided, single submitter. Criteria: Invitae Variant Classification Sherloc (09022015). Collection method: clinical testing. Allele origin: germline.
Comment: This sequence change replaces leucine with arginine at codon 2598 of the NF1 protein (p.Leu2598Arg). The leucine residue is moderately conserved and there is a moderate physicochemical difference between leucine and arginine. This variant is not present in population databases (ExAC no frequency). This variant has been observed in an individual affected with neurofibromatosis type 1 (PMID: 26740943). Algorithms developed to predict the effect of missense changes on protein structure and function are either unavailable or do not agree on the potential impact of this missense change (SIFT: "Deleterious"; PolyPhen-2: "Probably Damaging"; Align-GVGD: "Class C0"). In summary, the available evidence is currently insufficient to determine the role of this variant in disease. Therefore, it has been classified as a Variant of Uncertain Significance.

Literature cited by the submitters: PubMed 26740943.

NM_001042492.3(NF1):c.7856T>G (p.Leu2619Arg)

Gene: NF1 (neurofibromin 1; plus strand). Cytogenetic location: 17q11.2.
Variant type: single nucleotide variant.
Coding change: c.7856T>G on transcript NM_001042492.3 (MANE Select); coding-DNA position 7856, T replaced by G.
Protein change: p.Leu2619Arg; replaces leucine 2619 with arginine.
Molecular consequence: missense variant.
Genome position (GRCh38, 1-based): chr17:31,357,077, T>G. VCF-style: chr17-31357077-T-G. GRCh37 (hg19) VCF-style: chr17-29684095-T-G.
Other names: c.7793T>G, p.Leu2598Arg (NM_000267.4); short protein forms L2598R, L2619R.
Identifiers: ClinVar variation 641712 (VCV000641712.5), dbSNP rs916881278, ClinGen allele CA289407732.